The following is an entry in ClinVar:

NM_001029896.2(WDR45):c.958G>A (p.Val320Ile)

Gene: WDR45 (WD repeat domain 45; minus strand). Cytogenetic location: Xp11.23.
Variant type: single nucleotide variant.
Coding change: c.958G>A on transcript NM_001029896.2 (MANE Select); coding-DNA position 958, G replaced by A.
Protein change: p.Val320Ile; replaces valine 320 with isoleucine.
Molecular consequence: missense variant.
Genome position (GRCh38, 1-based): chrX:49,075,151, C>T on the plus strand (G>A on the coding strand, the complement: WDR45 is on the minus strand). VCF-style: chrX-49075151-C-T. GRCh37 (hg19) VCF-style: chrX-48932810-C-T.
Other names: c.961G>A, p.Val321Ile (NM_007075.4); short protein forms V320I, V321I.
Identifiers: ClinVar variation 4728713 (VCV004728713.1).

ClinVar aggregate classification (germline): Uncertain significance (1 of 4 stars; one submission).

Conditions:
Neurodegeneration with brain iron accumulation 5 (NBIA5). Also called: STATIC ENCEPHALOPATHY OF CHILDHOOD WITH NEURODEGENERATION IN ADULTHOOD; Beta-propeller protein-associated neurodegeneration. Identifiers: Orphanet 329284, MedGen C3550973, MONDO:0010476, OMIM 300894.

gnomAD v4.1: 14 of 1,210,588 alleles (0.0012%); highest among the groups gnomAD compares: African/African-American, 0.0017%; no homozygotes.

Submission:

Labcorp Genetics (formerly Invitae), Labcorp
Classification: Uncertain significance for Neurodegeneration with brain iron accumulation 5. Last evaluated: 2025-05-26. Review status: criteria provided, single submitter. Criteria: Invitae Variant Classification Sherloc (09022015). Collection method: clinical testing. Allele origin: germline.
Comment: This sequence change replaces valine, which is neutral and non-polar, with isoleucine, which is neutral and non-polar, at codon 321 of the WDR45 protein (p.Val321Ile). This variant is present in population databases (no rsID available, gnomAD 0.001%). This variant has not been reported in the literature in individuals affected with WDR45-related conditions. Invitae Evidence Modeling of protein sequence and biophysical properties (such as structural, functional, and spatial information, amino acid conservation, physicochemical variation, residue mobility, and thermodynamic stability) indicates that this missense variant is not expected to disrupt WDR45 protein function with a negative predictive value of 80%. In summary, the available evidence is currently insufficient to determine the role of this variant in disease. Therefore, it has been classified as a Variant of Uncertain Significance.